The following is an entry in ClinVar:

NM_201384.3(PLEC):c.2449C>G (p.Gln817Glu)

Gene: PLEC (plectin; minus strand). Cytogenetic location: 8q24.3.
Variant type: single nucleotide variant.
Coding change: c.2449C>G on transcript NM_201384.3 (MANE Select); coding-DNA position 2449, C replaced by G.
Protein change: p.Gln817Glu; replaces glutamine 817 with glutamic acid.
Molecular consequence: missense variant.
Genome position (GRCh38, 1-based): chr8:143,930,392, G>C on the plus strand (C>G on the coding strand, the complement: PLEC is on the minus strand). VCF-style: chr8-143930392-G-C. GRCh37 (hg19) VCF-style: chr8-145004560-G-C.
Other names: c.2530C>G, p.Gln844Glu (NM_000445.5, NM_001410941.1); c.2407C>G, p.Gln803Glu (NM_201378.4); c.2383C>G, p.Gln795Glu (NM_201379.3); c.2860C>G, p.Gln954Glu (NM_201380.4); c.2353C>G, p.Gln785Glu (NM_201381.3); c.2449C>G, p.Gln817Glu (NM_201382.4); c.2461C>G, p.Gln821Glu (NM_201383.3); short protein forms Q785E, Q795E, Q803E, Q817E, Q821E, Q844E, Q954E.
Identifiers: ClinVar variation 3757515 (VCV003757515.2).

ClinVar aggregate classification (germline): Uncertain significance (1 of 4 stars; one submission).

Conditions:
Epidermolysis bullosa simplex with nail dystrophy (EBS5D). Identifiers: MedGen C4225309, MONDO:0014661, OMIM 616487.
Epidermolysis bullosa simplex, Ogna type (EBS5A). Also called: Pidermolysis bullosa simplex 5A, Ogna type; EPIDERMOLYSIS BULLOSA SIMPLEX 5A, OGNA TYPE. Identifiers: Orphanet 79401, MedGen C0432317, MONDO:0007555, OMIM 131950.
Autosomal recessive limb-girdle muscular dystrophy type 2Q (LGMDR17). Also called: MUSCULAR DYSTROPHY, LIMB-GIRDLE, AUTOSOMAL RECESSIVE 17. Identifiers: Orphanet 254361, MedGen C3150989, MONDO:0013390, OMIM 613723.
Epidermolysis bullosa simplex 5B, with muscular dystrophy (EBS5B). Also called: EPIDERMOLYSIS BULLOSA SIMPLEX AND LIMB-GIRDLE MUSCULAR DYSTROPHY; Epidermolysis bullosa simplex with muscular dystrophy. Identifiers: Orphanet 257, MedGen C2931072, MONDO:0009181, OMIM 226670.
Epidermolysis bullosa simplex 5C, with pyloric atresia (EBS5C). Also called: PLEC-Related Epidermolysis Bullosa with Pyloric Atresia; Epidermolysis bullosa simplex with pyloric atresia; PLEC1-Related Epidermolysis Bullosa with Pyloric Atresia. Identifiers: Orphanet 158684, MedGen C2677349, MONDO:0012807, OMIM 612138.

Submission:

Labcorp Genetics (formerly Invitae), Labcorp
Classification: Uncertain significance for Autosomal recessive limb-girdle muscular dystrophy type 2Q; Epidermolysis bullosa simplex, Ogna type; Epidermolysis bullosa simplex with nail dystrophy; Epidermolysis bullosa simplex 5C, with pyloric atresia; Epidermolysis bullosa simplex 5B, with muscular dystrophy. Last evaluated: 2024-08-08. Review status: criteria provided, single submitter. Criteria: Invitae Variant Classification Sherloc (09022015). Collection method: clinical testing. Allele origin: germline.
Comment: This sequence change replaces glutamine, which is neutral and polar, with glutamic acid, which is acidic and polar, at codon 844 of the PLEC protein (p.Gln844Glu). This variant is not present in population databases (gnomAD no frequency). This variant has not been reported in the literature in individuals affected with PLEC-related conditions. Advanced modeling of protein sequence and biophysical properties (such as structural, functional, and spatial information, amino acid conservation, physicochemical variation, residue mobility, and thermodynamic stability) has been performed at Invitae for this missense variant, however the output from this modeling did not meet the statistical confidence thresholds required to predict the impact of this variant on PLEC protein function. In summary, the available evidence is currently insufficient to determine the role of this variant in disease. Therefore, it has been classified as a Variant of Uncertain Significance.